The following is an entry in ClinVar:

ClinVar aggregate classification (germline): Uncertain significance. Review status: criteria provided, multiple submitters, no conflicts (2 of 4 stars). 2 submissions from 2 submitters: Uncertain significance (2). Last evaluated 2025-01-19.

Conditions:
Fanconi anemia (FA). Also called: Fanconi's anemia. Identifiers: Orphanet 84, MedGen C0015625, MeSH D005199, MONDO:0019391.
Inborn genetic diseases. Identifiers: MedGen C0950123, MeSH D030342.

Allele frequency attached by ClinVar (database versions not stated): gnomAD exomes 0.00001; gnomAD 0.00006; 1000 Genomes Project 30x 0.00016.
gnomAD v4.1: 27 of 1,614,200 alleles (0.0017%); highest among the groups gnomAD compares: South Asian, 0.029%; no homozygotes.

Submissions (2):

Labcorp Genetics (formerly Invitae), Labcorp
Classification: Uncertain significance for Fanconi anemia. Last evaluated: 2025-01-19. Review status: criteria provided, single submitter. Criteria: Invitae Variant Classification Sherloc (09022015). Collection method: clinical testing. Allele origin: germline.
Comment: This sequence change replaces glutamic acid, which is acidic and polar, with alanine, which is neutral and non-polar, at codon 175 of the SLX4 protein (p.Glu175Ala). This variant is not present in population databases (gnomAD no frequency). This variant has not been reported in the literature in individuals affected with SLX4-related conditions. ClinVar contains an entry for this variant (Variation ID: 2241884). An algorithm developed to predict the effect of missense changes on protein structure and function (PolyPhen-2) suggests that this variant is likely to be tolerated. In summary, the available evidence is currently insufficient to determine the role of this variant in disease. Therefore, it has been classified as a Variant of Uncertain Significance.

Ambry Genetics
Classification: Uncertain significance for Inborn genetic diseases. Last evaluated: 2021-12-02. Review status: criteria provided, single submitter. Criteria: Ambry Variant Classification Scheme 2023. Collection method: clinical testing. Allele origin: germline.

NM_032444.4(SLX4):c.524A>C (p.Glu175Ala)

Gene: SLX4 (SLX4 structure-specific endonuclease subunit; minus strand). Cytogenetic location: 16p13.3.
Variant type: single nucleotide variant.
Coding change: c.524A>C on transcript NM_032444.4 (MANE Select); coding-DNA position 524, A replaced by C.
Protein change: p.Glu175Ala; replaces glutamic acid 175 with alanine.
Molecular consequence: missense variant.
Genome position (GRCh38, 1-based): chr16:3,608,441, T>G on the plus strand (A>C on the coding strand, the complement: SLX4 is on the minus strand). VCF-style: chr16-3608441-T-G. GRCh37 (hg19) VCF-style: chr16-3658442-T-G.
Other names: short protein forms E175A.
Identifiers: ClinVar variation 2241884 (VCV002241884.4), dbSNP rs2040809818, ClinGen allele CA394547059.